The following is an entry in ClinVar:

ClinVar aggregate classification (germline): Uncertain significance (1 of 4 stars; one submission).

Conditions:
Neurofibromatosis, type 1 (NF1). Also called: Neurofibromatosis, type I; Peripheral type neurofibromatosis; VON RECKLINGHAUSEN DISEASE; NEUROFIBROMATOSIS, TYPE I, SOMATIC. Identifiers: Orphanet 636, MedGen C0027831, MONDO:0018975, OMIM 162200. Disease mechanism: loss of function.

Submission:

Labcorp Genetics (formerly Invitae), Labcorp
Classification: Uncertain significance for Neurofibromatosis, type 1. Last evaluated: 2019-10-04. Review status: criteria provided, single submitter. Criteria: Invitae Variant Classification Sherloc (09022015). Collection method: clinical testing. Allele origin: germline.
Comment: This sequence change replaces threonine with arginine at codon 1273 of the NF1 protein (p.Thr1273Arg). The threonine residue is highly conserved and there is a moderate physicochemical difference between threonine and arginine. This variant is not present in population databases (ExAC no frequency). This variant has not been reported in the literature in individuals with NF1-related conditions. Algorithms developed to predict the effect of missense changes on protein structure and function are either unavailable or do not agree on the potential impact of this missense change (SIFT: "Tolerated"; PolyPhen-2: "Probably Damaging"; Align-GVGD: "Class C0"). In summary, the available evidence is currently insufficient to determine the role of this variant in disease. Therefore, it has been classified as a Variant of Uncertain Significance.

NM_001042492.3(NF1):c.3818_3819delinsGA (p.Thr1273Arg)

Gene: NF1 (neurofibromin 1; plus strand). Cytogenetic location: 17q11.2.
Variant type: Indel.
Coding change: c.3818_3819delinsGA on transcript NM_001042492.3 (MANE Select); coding-DNA positions 3818 to 3819, CT replaced by GA.
Protein change: p.Thr1273Arg; replaces threonine 1273 with arginine.
Molecular consequence: missense variant.
Genome position (GRCh38, 1-based): chr17:31,235,720-31,235,721, CT replaced by GA. VCF-style: chr17-31235720-CT-GA. GRCh37 (hg19) VCF-style: chr17-29562738-CT-GA.
Other names: c.3818_3819delCTinsGA, p.Thr1273Arg (NM_000267.4); short protein forms T1273R.
Identifiers: ClinVar variation 964241 (VCV000964241.5), dbSNP rs2067188491, ClinGen allele CA1139665344.